The following is an entry in ClinVar:

NM_001033046.4(CYBC1):c.95C>T (p.Ser32Leu)

Gene: CYBC1 (cytochrome b-245 chaperone 1; minus strand). Cytogenetic location: 17q25.3.
Variant type: single nucleotide variant.
Coding change: c.95C>T on transcript NM_001033046.4 (MANE Select); coding-DNA position 95, C replaced by T.
Protein change: p.Ser32Leu; replaces serine 32 with leucine.
Molecular consequence: missense variant. On other transcripts: non-coding transcript variant (2), intron variant (1).
Genome position (GRCh38, 1-based): chr17:82,447,612, G>A on the plus strand (C>T on the coding strand, the complement: CYBC1 is on the minus strand). VCF-style: chr17-82447612-G-A. GRCh37 (hg19) VCF-style: chr17-80405488-G-A.
Other names: c.95C>T, p.Ser32Leu (NM_001100407.3, NM_001193653.2, NM_001193654.2 and 2 more transcripts); c.86-916C>T (NM_001100408.3); short protein forms S32L.
Identifiers: ClinVar variation 1999004 (VCV001999004.4), dbSNP rs763637263, ClinGen allele CA8858389.

ClinVar aggregate classification (germline): Uncertain significance (1 of 4 stars; one submission).

Allele frequency attached by ClinVar (database versions not stated): gnomAD exomes below 0.00001; TOPMed below 0.00001; ExAC 0.00002.
gnomAD v4.1: 4 of 1,597,354 alleles (0.00025%); highest among the groups gnomAD compares: South Asian, 0.0011%; no homozygotes.

Submission:

Labcorp Genetics (formerly Invitae), Labcorp
Classification: Uncertain significance. Last evaluated: 2022-05-07. Review status: criteria provided, single submitter. Criteria: Invitae Variant Classification Sherloc (09022015). Collection method: clinical testing. Allele origin: germline.
Comment: This sequence change replaces serine, which is neutral and polar, with leucine, which is neutral and non-polar, at codon 32 of the C17orf62 protein (p.Ser32Leu). In summary, the available evidence is currently insufficient to determine the role of this variant in disease. Therefore, it has been classified as a Variant of Uncertain Significance. Algorithms developed to predict the effect of missense changes on protein structure and function are either unavailable or do not agree on the potential impact of this missense change (SIFT: "Tolerated"; PolyPhen-2: "Possibly Damaging"; Align-GVGD: "Class C0"). This variant has not been reported in the literature in individuals affected with C17orf62-related conditions. The frequency data for this variant in the population databases is considered unreliable, as metrics indicate poor data quality at this position in the gnomAD database.